The following is an entry in ClinVar:

NM_001083962.2(TCF4):c.826A>G (p.Ser276Gly)

Genes: TCF4 (transcription factor 4; minus strand), LOC126862757 (CDK7 strongly-dependent group 2 enhancer GRCh37_chr18:52936433-52937632; plus strand). Cytogenetic location: 18q21.2.
Variant type: single nucleotide variant.
Coding change: c.826A>G on transcript NM_001083962.2 (MANE Select); coding-DNA position 826, A replaced by G.
Protein change: p.Ser276Gly; replaces serine 276 with glycine.
Molecular consequence: missense variant.
Genome position (GRCh38, 1-based): chr18:55,269,927, T>C on the plus strand (A>G on the coding strand, the complement: TCF4 is on the minus strand). VCF-style: chr18-55269927-T-C. GRCh37 (hg19) VCF-style: chr18-52937158-T-C.
Other names: c.1132A>G, p.Ser378Gly (NM_001243226.3); c.754A>G, p.Ser252Gly (NM_001243227.2, NM_001306207.1, NM_001348217.1 and 9 more transcripts); c.844A>G, p.Ser282Gly (NM_001243228.2); c.820A>G, p.Ser274Gly (NM_001243230.2); c.700A>G, p.Ser234Gly (NM_001243231.2, NM_001348211.2); c.613A>G, p.Ser205Gly (NM_001243232.1, NM_001306208.1); c.436A>G, p.Ser146Gly (NM_001243233.2, NM_001330605.3, NM_001348212.2 and 1 more transcripts); c.346A>G, p.Ser116Gly (NM_001243234.2, NM_001243235.2, NM_001243236.2 and 2 more transcripts); and 4 more; short protein forms S274G, S234G, S275G, S276G, S282G, S116G, S146G, S205G.
Identifiers: ClinVar variation 4991405 (VCV004991405.1).

ClinVar aggregate classification (germline): Uncertain significance (1 of 4 stars; one submission).

Conditions:
TCF4-related disorder. Also called: TCF4-related condition.

gnomAD v4.1: 1 of 1,613,312 alleles (0.000062%); no homozygotes.

Submission:

PreventionGenetics, part of Exact Sciences
Classification: Uncertain significance for TCF4-related condition. Last evaluated: 2025-12-01. Review status: criteria provided, single submitter. Criteria: ACMG Guidelines, 2015. Collection method: clinical testing. Allele origin: germline.
Comment: The TCF4 c.826A>G variant is predicted to result in the amino acid substitution p.Ser276Gly. To our knowledge, this variant has not been reported in the literature or in a large population database (gnomAD), indicating this variant is rare. An alternate missense change impacting the same amino acid (p.Ser276Cys) was reported as a variant of uncertain significance in a large cohort study of patients with suspected neurological disorder (Table S6, Ganapathy et al. 2019. PubMed ID: 31069529). At this time, the clinical significance of the c.826A>G (p.Ser276Gly) variant is uncertain due to the absence of conclusive functional and genetic evidence.